The following is an entry in ClinVar:

NM_001378609.3(OTOGL):c.1156T>C (p.Cys386Arg)

Gene: OTOGL (otogelin like; plus strand). Cytogenetic location: 12q21.31.
Variant type: single nucleotide variant.
Coding change: c.1156T>C on transcript NM_001378609.3 (MANE Select); coding-DNA position 1156, T replaced by C.
Protein change: p.Cys386Arg; replaces cysteine 386 with arginine.
Molecular consequence: missense variant.
Genome position (GRCh38, 1-based): chr12:80,251,796, T>C. VCF-style: chr12-80251796-T-C. GRCh37 (hg19) VCF-style: chr12-80645576-T-C.
Other names: c.1156T>C, p.Cys386Arg (NM_001368062.3, NM_001378610.3, NM_173591.7); short protein forms C386R.
Identifiers: ClinVar variation 2528581 (VCV002528581.3), dbSNP rs747909746, ClinGen allele CA6700377.

ClinVar aggregate classification (germline): Uncertain significance. Review status: criteria provided, multiple submitters, no conflicts (2 of 4 stars). 2 submissions from 2 submitters: Uncertain significance (2). Last evaluated 2025-06-13.

Conditions:
Inborn genetic diseases. Identifiers: MedGen C0950123, MeSH D030342.

Allele frequency attached by ClinVar (database versions not stated): TOPMed 0.00002; ExAC 0.00003; gnomAD 0.00001.
gnomAD v4.1: 12 of 1,566,668 alleles (0.00077%); highest among the groups gnomAD compares: East Asian, 0.026%; no homozygotes.

Submissions (2):

GeneDx
Classification: Uncertain significance. Last evaluated: 2025-06-13. Review status: criteria provided, single submitter. Criteria: GeneDx Variant Classification Process June 2021. Collection method: clinical testing. Allele origin: germline. Affected: yes.
Comment: In silico analysis supports that this missense variant has a deleterious effect on protein structure/function; Has not been previously published as pathogenic or benign to our knowledge

Ambry Genetics
Classification: Uncertain significance for Inborn genetic diseases. Last evaluated: 2023-06-07. Review status: criteria provided, single submitter. Criteria: Ambry Variant Classification Scheme 2023. Collection method: clinical testing. Allele origin: germline.